The following is an entry in ClinVar:

NM_000548.5(TSC2):c.116T>A (p.Ile39Asn)

Gene: TSC2 (TSC complex subunit 2; plus strand). Cytogenetic location: 16p13.3.
Variant type: single nucleotide variant.
Coding change: c.116T>A on transcript NM_000548.5 (MANE Select); coding-DNA position 116, T replaced by A.
Protein change: p.Ile39Asn; replaces isoleucine 39 with asparagine.
Molecular consequence: missense variant. On other transcripts: 5 prime UTR variant (19), non-coding transcript variant (5), intron variant (6).
Genome position (GRCh38, 1-based): chr16:2,048,731, T>A. VCF-style: chr16-2048731-T-A. GRCh37 (hg19) VCF-style: chr16-2098732-T-A.
Other names: c.116T>A, p.Ile39Asn (NM_001077183.3, NM_001114382.3, NM_001318827.2 and 13 more transcripts); c.-111T>A (NM_001318831.2, NM_001406682.1, NM_001406684.1 and 2 more transcripts); c.149T>A, p.Ile50Asn (NM_001318832.2); c.-701T>A (NM_001406680.1, NM_001406683.1, NM_001406687.1); c.-330T>A (NM_001406681.1); c.-1316T>A (NM_001406689.1, NM_001406690.1, NM_001406691.1 and 2 more transcripts); c.-1622T>A (NM_001406693.1); c.-1197T>A (NM_001406694.1, NM_001406695.1); and 4 more; short protein forms I39N, I50N.
Identifiers: ClinVar variation 2711109 (VCV002711109.4), dbSNP rs184437554, ClinGen allele CA394301646.
Genomic context (GRCh38, chr16:2,048,731, plus strand): 5'-TGGGACTGGGAACACCGAGGCCAAATCCCAGGTCTGCAGAGGGTAAACAGACGGAGTTTA[T>A]CATCACCGCGGAAATACTGAGAGTGAGTGAGCTACCTGTGTCTTTGCTAGGCTAGAGGGA-3'
Protein context (NP_000539.2, residues 29-49): RSAEGKQTEF[Ile39Asn]ITAEILRELS

ClinVar aggregate classification (germline): Uncertain significance. Review status: criteria provided, multiple submitters, no conflicts (2 of 4 stars). 2 submissions from 2 submitters: Uncertain significance (2). Last evaluated 2025-06-24.

Conditions:
Hereditary cancer-predisposing syndrome. Also called: Neoplastic Syndromes, Hereditary; Hereditary neoplastic syndrome; Tumor predisposition; Hereditary Cancer Syndrome. Identifiers: Orphanet 140162, MedGen C0027672, MeSH D009386, MONDO:0015356.
Tuberous sclerosis 2 (TSC2). Identifiers: Orphanet 805, MedGen C1860707, MONDO:0013199, OMIM 613254.

gnomAD v4.1: 1 of 1,614,014 alleles (0.000062%); highest among the groups gnomAD compares: Non-Finnish European, 0.000085%; no homozygotes.

Submissions (2):

Labcorp Genetics (formerly Invitae), Labcorp
Classification: Uncertain significance for Tuberous sclerosis 2. Last evaluated: 2025-06-24. Review status: criteria provided, single submitter. Criteria: Invitae Variant Classification Sherloc (09022015). Collection method: clinical testing. Allele origin: germline.
Comment: This sequence change replaces isoleucine, which is neutral and non-polar, with asparagine, which is neutral and polar, at codon 39 of the TSC2 protein (p.Ile39Asn). This variant is not present in population databases (gnomAD no frequency). This variant has not been reported in the literature in individuals affected with TSC2-related conditions. ClinVar contains an entry for this variant (Variation ID: 2711109). Invitae Evidence Modeling of protein sequence and biophysical properties (such as structural, functional, and spatial information, amino acid conservation, physicochemical variation, residue mobility, and thermodynamic stability) indicates that this missense variant is not expected to disrupt TSC2 protein function with a negative predictive value of 95%. In summary, the available evidence is currently insufficient to determine the role of this variant in disease. Therefore, it has been classified as a Variant of Uncertain Significance.

Ambry Genetics
Classification: Uncertain significance for Hereditary cancer-predisposing syndrome. Last evaluated: 2023-10-25. Review status: criteria provided, single submitter. Criteria: Ambry Variant Classification Scheme 2023. Collection method: clinical testing. Allele origin: germline.
Comment: The p.I39N variant (also known as c.116T>A), located in coding exon 1 of the TSC2 gene, results from a T to A substitution at nucleotide position 116. The isoleucine at codon 39 is replaced by asparagine, an amino acid with dissimilar properties. This amino acid position is poorly conserved in available vertebrate species. In addition, the in silico prediction for this alteration is inconclusive. Since supporting evidence is limited at this time, the clinical significance of this alteration remains unclear.